The following is an entry in ClinVar:

ClinVar aggregate classification (germline): Likely benign. Review status: criteria provided, multiple submitters, no conflicts (2 of 4 stars). 3 submissions from 3 submitters: Likely benign (3). Last evaluated 2026-01-16.

Conditions:
Hereditary cancer-predisposing syndrome. Also called: Tumor predisposition; Hereditary Cancer Syndrome; Hereditary neoplastic syndrome; Neoplastic Syndromes, Hereditary. Identifiers: Orphanet 140162, MedGen C0027672, MeSH D009386, MONDO:0015356.
Neurofibromatosis, type 1 (NF1). Also called: VON RECKLINGHAUSEN DISEASE; NEUROFIBROMATOSIS, TYPE I, SOMATIC; Peripheral type neurofibromatosis; Neurofibromatosis, type I. Identifiers: Orphanet 636, MedGen C0027831, MONDO:0018975, OMIM 162200. Disease mechanism: loss of function.

Allele frequency attached by ClinVar (database versions not stated): gnomAD exomes below 0.00001; gnomAD 0.00001; TOPMed 0.00001.
gnomAD v4.1: 5 of 1,595,342 alleles (0.00031%); highest among the groups gnomAD compares: East Asian, 0.0023%; no homozygotes.

Submissions (3):

Labcorp Genetics (formerly Invitae), Labcorp
Classification: Likely benign for Neurofibromatosis, type 1. Last evaluated: 2026-01-16. Review status: criteria provided, single submitter. Criteria: Invitae Variant Classification Sherloc (09022015). Collection method: clinical testing. Allele origin: germline.

Genome-Nilou Lab
Classification: Likely benign for Neurofibromatosis, type 1. Last evaluated: 2022-03-15. Review status: criteria provided, single submitter. Criteria: ACMG Guidelines, 2015. Collection method: clinical testing. Allele origin: germline. Affected: no.

Ambry Genetics
Classification: Likely benign for Hereditary cancer-predisposing syndrome. Last evaluated: 2015-09-15. Review status: criteria provided, single submitter. Criteria: Ambry Autosomal Dominant and X-Linked criteria (10/2015). Collection method: clinical testing. Allele origin: germline. Observed: 1 variant allele.
Comment: Synonymous alterations with insufficient evidence to classify as benign

NM_001042492.3(NF1):c.3246T>C (p.Gly1082=)

Gene: NF1 (neurofibromin 1; plus strand). Cytogenetic location: 17q11.2.
Variant type: single nucleotide variant.
Coding change: c.3246T>C on transcript NM_001042492.3 (MANE Select); coding-DNA position 3246, T replaced by C.
Protein change: p.Gly1082=; no amino-acid change (glycine 1082 retained).
Molecular consequence: synonymous variant.
Genome position (GRCh38, 1-based): chr17:31,232,121, T>C. VCF-style: chr17-31232121-T-C. GRCh37 (hg19) VCF-style: chr17-29559139-T-C.
Other names: c.3246T>C, p.Gly1082= (NM_000267.4).
Identifiers: ClinVar variation 233833 (VCV000233833.14), dbSNP rs876660670, ClinGen allele CA10580277.